The following is an entry in ClinVar:

ClinVar aggregate classification (germline): Uncertain significance (1 of 4 stars; one submission).

Allele frequency attached by ClinVar (database versions not stated): ESP Exome Variant Server 0.00008.
gnomAD v4.1: 42 of 1,614,048 alleles (0.0026%); highest among the groups gnomAD compares: Admixed American, 0.005%; no homozygotes.

Submission:

Labcorp Genetics (formerly Invitae), Labcorp
Classification: Uncertain significance. Last evaluated: 2022-07-11. Review status: criteria provided, single submitter. Criteria: Invitae Variant Classification Sherloc (09022015). Collection method: clinical testing. Allele origin: germline.
Comment: This sequence change replaces arginine, which is basic and polar, with glycine, which is neutral and non-polar, at codon 735 of the COL9A1 protein (p.Arg735Gly). This variant is present in population databases (rs148695653, gnomAD 0.006%). This variant has not been reported in the literature in individuals affected with COL9A1-related conditions. ClinVar contains an entry for this variant (Variation ID: 1431674). Advanced modeling of protein sequence and biophysical properties (such as structural, functional, and spatial information, amino acid conservation, physicochemical variation, residue mobility, and thermodynamic stability) performed at Invitae indicates that this missense variant is not expected to disrupt COL9A1 protein function. In summary, the available evidence is currently insufficient to determine the role of this variant in disease. Therefore, it has been classified as a Variant of Uncertain Significance.

NM_001851.6(COL9A1):c.2203C>G (p.Arg735Gly)

Gene: COL9A1 (collagen type IX alpha 1 chain; minus strand). Cytogenetic location: 6q13.
Variant type: single nucleotide variant.
Coding change: c.2203C>G on transcript NM_001851.6 (MANE Select); coding-DNA position 2203, C replaced by G.
Protein change: p.Arg735Gly; replaces arginine 735 with glycine.
Molecular consequence: missense variant. On other transcripts: non-coding transcript variant (1), intron variant (1).
Genome position (GRCh38, 1-based): chr6:70,234,850, G>C on the plus strand (C>G on the coding strand, the complement: COL9A1 is on the minus strand). VCF-style: chr6-70234850-G-C. GRCh37 (hg19) VCF-style: chr6-70944553-G-C.
Other names: c.1504C>G, p.Arg502Gly (NM_001377289.1); c.1474C>G, p.Arg492Gly (NM_078485.4); c.1384-257C>G (NM_001377290.1); short protein forms R735G, R492G, R502G.
Identifiers: ClinVar variation 1431674 (VCV001431674.3), dbSNP rs148695653, ClinGen allele CA3881836.